The following is an entry in ClinVar:

ClinVar aggregate classification (germline): Pathogenic (1 of 4 stars; one submission).

Conditions:
Tooth agenesis, selective, 4 (STHAG4). Also called: LATERAL INCISORS, ABSENCE OF; LATERAL INCISORS, PEGGED OR MISSING; SUCCEDANEOUS TEETH, AGENESIS OF; TOOTH AGENESIS, SELECTIVE, 4, WITH OR WITHOUT ECTODERMAL DYSPLASIA. Identifiers: Orphanet 99798, MedGen C1835492, MONDO:0007881, OMIM 150400. Disease mechanism: loss of function.
Odonto-onycho-dermal dysplasia. Identifiers: Orphanet 2721, MedGen C0796093, MONDO:0009773, OMIM 257980.

Submission:

Labcorp Genetics (formerly Invitae), Labcorp
Classification: Pathogenic for Tooth agenesis, selective, 4; Odonto-onycho-dermal dysplasia. Last evaluated: 2023-11-21. Review status: criteria provided, single submitter. Criteria: Invitae Variant Classification Sherloc (09022015). Collection method: clinical testing. Allele origin: germline.
Comment: This sequence change creates a premature translational stop signal (p.Glu194Asnfs*49) in the WNT10A gene. While this is not anticipated to result in nonsense mediated decay, it is expected to disrupt the last 224 amino acid(s) of the WNT10A protein. This variant is not present in population databases (gnomAD no frequency). This variant has not been reported in the literature in individuals affected with WNT10A-related conditions. ClinVar contains an entry for this variant (Variation ID: 1417009). Algorithms developed to predict the effect of sequence changes on RNA splicing suggest that this variant may create or strengthen a splice site. This variant disrupts a region of the WNT10A protein in which other variant(s) (p.Glu390*) have been determined to be pathogenic (PMID: 24902757). This suggests that this is a clinically significant region of the protein, and that variants that disrupt it are likely to be disease-causing. For these reasons, this variant has been classified as Pathogenic.

Literature cited by the submitters: PubMed 24902757.

NM_025216.3(WNT10A):c.580del (p.Glu194fs)

Gene: WNT10A (Wnt family member 10A; plus strand). Cytogenetic location: 2q35.
Variant type: Deletion.
Coding change: c.580del on transcript NM_025216.3 (MANE Select); coding-DNA position 580, one base deleted (G; older notation c.580delG).
Protein change: p.Glu194fs; shifts the reading frame from glutamic acid 194.
Molecular consequence: frameshift variant.
Genome position (GRCh38, 1-based): chr2:218,890,187, G deleted; the last of 2 consecutive G bases (chr2:218,890,186-218,890,187); deleting either gives the same sequence. VCF-style (leftmost placement, unchanged base first): chr2-218890185-CG-C. GRCh37 (hg19) VCF-style: chr2-219754907-CG-C.
Other names: short protein forms E194fs.
Identifiers: ClinVar variation 1417009 (VCV001417009.6), dbSNP rs2106016293, ClinGen allele CA2573135230.